The following is an entry in ClinVar:

ClinVar aggregate classification (germline): Uncertain significance (1 of 4 stars; one submission).

Conditions:
Idiopathic generalized epilepsy. Also called: EIG; Generalised epilepsy. Identifiers: MedGen C0270850, MONDO:0005579, OMIM 600669.

Allele frequency attached by ClinVar (database versions not stated): TOPMed 0.00003.
gnomAD v4.1: 17 of 1,326,314 alleles (0.0013%); highest among the groups gnomAD compares: Non-Finnish European, 0.0016%; no homozygotes.

Submission:

Labcorp Genetics (formerly Invitae), Labcorp
Classification: Uncertain significance for Idiopathic generalized epilepsy. Last evaluated: 2019-10-16. Review status: criteria provided, single submitter. Criteria: Invitae Variant Classification Sherloc (09022015). Collection method: clinical testing. Allele origin: germline.
Comment: This variant has not been reported in the literature in individuals with RBFOX3-related conditions. The frequency data for this variant in the population databases is considered unreliable, as metrics indicate insufficient coverage at this position in the ExAC database. This sequence change affects codon 74 of the RBFOX3 mRNA. It is a 'silent' change, meaning that it does not change the encoded amino acid sequence of the RBFOX3 protein. This variant also falls at the last nucleotide of exon 5 of the RBFOX3 coding sequence, which is part of the consensus splice site for this exon. Nucleotide substitutions within the consensus splice site are a relatively common cause of aberrant splicing (PMID: 17576681, 9536098). Algorithms developed to predict the effect of sequence changes on RNA splicing suggest that this variant may disrupt the consensus splice site, but this prediction has not been confirmed by published transcriptional studies. In summary, the available evidence is currently insufficient to determine the role of this variant in disease. Therefore, it has been classified as a Variant of Uncertain Significance.

Literature cited by the submitters: PubMed 17576681; PubMed 9536098.

NM_001350451.2(RBFOX3):c.222G>A (p.Pro74=)

Gene: RBFOX3 (RNA binding fox-1 homolog 3; minus strand). Cytogenetic location: 17q25.3.
Variant type: single nucleotide variant.
Coding change: c.222G>A on transcript NM_001350451.2 (MANE Select); coding-DNA position 222, G replaced by A.
Protein change: p.Pro74=; no amino-acid change (proline 74 retained).
Molecular consequence: synonymous variant.
Genome position (GRCh38, 1-based): chr17:79,115,494, C>T on the plus strand (G>A on the coding strand, the complement: RBFOX3 is on the minus strand). VCF-style: chr17-79115494-C-T. GRCh37 (hg19) VCF-style: chr17-77111576-C-T.
Other names: c.222G>A, p.Pro74= (NM_001082575.3, NM_001350453.2, NM_001385804.1 and 43 more transcripts).
Identifiers: ClinVar variation 933447 (VCV000933447.7), dbSNP rs1037097785, ClinGen allele CA294803963.